The following is an entry in ClinVar:

NM_021939.4(FKBP10):c.86G>A (p.Arg29Lys)

Gene: FKBP10 (FKBP prolyl isomerase 10; plus strand). Cytogenetic location: 17q21.2.
Variant type: single nucleotide variant.
Coding change: c.86G>A on transcript NM_021939.4 (MANE Select); coding-DNA position 86, G replaced by A.
Protein change: p.Arg29Lys; replaces arginine 29 with lysine.
Molecular consequence: missense variant.
Genome position (GRCh38, 1-based): chr17:41,813,120, G>A. VCF-style: chr17-41813120-G-A. GRCh37 (hg19) VCF-style: chr17-39969372-G-A.
Other names: short protein forms R29K.
Identifiers: ClinVar variation 1345876 (VCV001345876.8), dbSNP rs2144041297, ClinGen allele CA399513408.
Genomic context (GRCh38, chr17:41,813,120, plus strand): 5'-ACAGCCTCCTCCGGCTCCCCCTGCTGCAGTTGCTGCTACTGGTGGTGCAGGCCGTGGGGA[G>A]GGGGCTGGGCCGCGCCAGCCCGGCCGGGGGCCCCCTGGAAGATGTGGTCATCGAGAGGTA-3'
Protein context (NP_068758.3, residues 19-39): LLLLVVQAVG[Arg29Lys]GLGRASPAGG

ClinVar aggregate classification (germline): Uncertain significance (1 of 4 stars; one submission).

Submission:

Labcorp Genetics (formerly Invitae), Labcorp
Classification: Uncertain significance. Last evaluated: 2021-07-14. Review status: criteria provided, single submitter. Criteria: Invitae Variant Classification Sherloc (09022015). Collection method: clinical testing. Allele origin: germline.
Comment: In summary, the available evidence is currently insufficient to determine the role of this variant in disease. Therefore, it has been classified as a Variant of Uncertain Significance. Algorithms developed to predict the effect of missense changes on protein structure and function (SIFT, PolyPhen-2, Align-GVGD) all suggest that this variant is likely to be tolerated, but these predictions have not been confirmed by published functional studies and their clinical significance is uncertain. This variant has not been reported in the literature in individuals with FKBP10-related disease. This variant is not present in population databases (ExAC no frequency). This sequence change replaces arginine with lysine at codon 29 of the FKBP10 protein (p.Arg29Lys). The arginine residue is weakly conserved and there is a small physicochemical difference between arginine and lysine.